The following is an entry in ClinVar:

NM_000921.5(PDE3A):c.717C>G (p.Tyr239Ter)

Genes: PDE3A (phosphodiesterase 3A; plus strand), PDE3A-AS1 (PDE3A antisense RNA 1; minus strand). Cytogenetic location: 12p12.2.
Variant type: single nucleotide variant.
Coding change: c.717C>G on transcript NM_000921.5 (MANE Select); coding-DNA position 717, C replaced by G.
Protein change: p.Tyr239Ter; replaces tyrosine 239 with a stop codon.
Molecular consequence: nonsense. On other transcripts: non-coding transcript variant (1), 5 prime UTR variant (1).
Genome position (GRCh38, 1-based): chr12:20,370,001, C>G. VCF-style: chr12-20370001-C-G. GRCh37 (hg19) VCF-style: chr12-20522935-C-G.
Other names: c.717C>G, p.Tyr239Ter (NM_001378407.1); c.-312C>G (NM_001378408.1); short protein forms Y239*.
Identifiers: ClinVar variation 3686210 (VCV003686210.2).

ClinVar aggregate classification (germline): Uncertain significance (1 of 4 stars; one submission).

gnomAD v4.1: 4 of 1,613,074 alleles (0.00025%); highest among the groups gnomAD compares: Non-Finnish European, 0.00034%; no homozygotes.

Submission:

Labcorp Genetics (formerly Invitae), Labcorp
Classification: Uncertain significance. Last evaluated: 2024-09-11. Review status: criteria provided, single submitter. Criteria: Invitae Variant Classification Sherloc (09022015). Collection method: clinical testing. Allele origin: germline.
Comment: This sequence change creates a premature translational stop signal (p.Tyr239*) in the PDE3A gene. It is expected to result in an absent or disrupted protein product. However, the current clinical and genetic evidence is not sufficient to establish whether loss-of-function variants in PDE3A cause disease. This variant is not present in population databases (gnomAD no frequency). This variant has not been reported in the literature in individuals affected with PDE3A-related conditions. In summary, the available evidence is currently insufficient to determine the role of this variant in disease. Therefore, it has been classified as a Variant of Uncertain Significance.